The following is an entry in ClinVar:

ClinVar aggregate classification (germline): Uncertain significance (0 of 4 stars; one submission).

Conditions:
MED13L-related disorder. Also called: MED13L-related condition.

Submission:

PreventionGenetics, part of Exact Sciences
Classification: Uncertain significance for MED13L-related condition. Last evaluated: 2024-06-27. Review status: no assertion criteria provided. Collection method: clinical testing. Allele origin: germline.
Comment: The MED13L c.1588G>C variant is predicted to result in the amino acid substitution p.Ala530Pro. To our knowledge, this variant has not been reported in the literature or in a large population database, indicating this variant is rare. At this time, the clinical significance of this variant is uncertain due to the absence of conclusive functional and genetic evidence.

NM_015335.5(MED13L):c.1588G>C (p.Ala530Pro)

Gene: MED13L (mediator complex subunit 13L; minus strand). Cytogenetic location: 12q24.21.
Variant type: single nucleotide variant.
Coding change: c.1588G>C on transcript NM_015335.5 (MANE Select); coding-DNA position 1588, G replaced by C.
Protein change: p.Ala530Pro; replaces alanine 530 with proline.
Molecular consequence: missense variant.
Genome position (GRCh38, 1-based): chr12:116,008,825, C>G on the plus strand (G>C on the coding strand, the complement: MED13L is on the minus strand). VCF-style: chr12-116008825-C-G. GRCh37 (hg19) VCF-style: chr12-116446630-C-G.
Other names: short protein forms A530P.
Identifiers: ClinVar variation 3346202 (VCV003346202.1).